The following is an entry in ClinVar:

ClinVar aggregate classification (germline): Conflicting classifications of pathogenicity. Review status: criteria provided, conflicting classifications (1 of 4 stars). 9 submissions from 8 submitters: Uncertain significance (1); Benign (3); Likely benign (4). 1 of the submissions does not count toward it. Last evaluated 2026-02-02.

Conditions:
SYNE1-related disorder. Also called: SYNE1-related disorders; SYNE1-related disease; SYNE1-related condition.
Autosomal recessive ataxia, Beauce type. Also called: SYNE1-Related Autosomal Recessive Cerebellar Ataxia; ATAXIA, RECESSIVE, OF BEAUCE; SYNE1 Deficiency; Spinocerebellar ataxia, autosomal recessive 8. Identifiers: Orphanet 88644, MedGen C1853116, MONDO:0012549, OMIM 610743.
Emery-Dreifuss muscular dystrophy 4, autosomal dominant (EDMD4). Also called: EMERY-DREIFUSS MUSCULAR DYSTROPHY 4 WITH VARIABLE FEATURES. Identifiers: Orphanet 261, MedGen C2751807, MONDO:0013071, OMIM 612998.

Allele frequency attached by ClinVar (database versions not stated): gnomAD exomes 0.00025 and 0.00051; ExAC 0.00054; 1000 Genomes Project 0.00060; 1000 Genomes Project 30x 0.00062; gnomAD 0.00100 and 0.00103; TOPMed 0.00117; ESP Exome Variant Server 0.00146.
gnomAD v4.1: 524 of 1,614,132 alleles (0.032%); highest among the groups gnomAD compares: African/African-American, 0.31%; 1 homozygote.

Submissions (9):

Labcorp Genetics (formerly Invitae), Labcorp
Classification: Benign for Emery-Dreifuss muscular dystrophy 4, autosomal dominant; Autosomal recessive ataxia, Beauce type. Last evaluated: 2026-02-02. Review status: criteria provided, single submitter. Criteria: Invitae Variant Classification Sherloc (09022015). Collection method: clinical testing. Allele origin: germline.

Blueprint Genetics
Classification: Likely benign. Last evaluated: 2024-10-30. Review status: criteria provided, single submitter. Criteria: ACMG Guidelines, 2015. Collection method: clinical testing. Allele origin: germline.

CeGaT Center for Human Genetics Tuebingen
Classification: Likely benign. Last evaluated: 2024-09-01. Review status: criteria provided, single submitter. Criteria: CeGaT Center For Human Genetics Tuebingen Variant Classification Criteria Version 2. Collection method: clinical testing. Allele origin: germline. Affected: yes. Observed: 3 variant alleles.
Comment: SYNE1: BP4, BP7

GeneDx
Classification: Likely benign. Last evaluated: 2021-03-25. Review status: criteria provided, single submitter. Criteria: GeneDx Variant Classification Process June 2021. Collection method: clinical testing. Allele origin: germline. Affected: yes.

Eurofins Ntd Llc (ga)
Classification: Uncertain significance. Last evaluated: 2018-08-20. Review status: criteria provided, single submitter. Criteria: EGL ClinVar v180209 classification definitions. Collection method: clinical testing. Allele origin: germline. Observed: 14 variant alleles, 14 heterozygotes.

Athena Diagnostics
Classification: Benign. Last evaluated: 2018-06-19. Review status: criteria provided, single submitter. Criteria: Athena Diagnostics Criteria. Collection method: clinical testing. Allele origin: germline.

Illumina Laboratory Services, Illumina
Classification: Benign for Emery-Dreifuss muscular dystrophy 4, autosomal dominant. Last evaluated: 2018-01-13. Review status: criteria provided, single submitter. Criteria: ICSL Variant Classification Criteria 13 December 2019. Collection method: clinical testing. Allele origin: germline.
Comment: This variant was observed in the ICSL laboratory as part of a predisposition screen in an ostensibly healthy population. It had not been previously curated by ICSL or reported in the Human Gene Mutation Database (HGMD: prior to June 1st, 2018), and was therefore a candidate for classification through an automated scoring system. Utilizing variant allele frequency, disease prevalence and penetrance estimates, and inheritance mode, an automated score was calculated to assess if this variant is too frequent to cause the disease. Based on the score and internal cut-off values, a variant classified as benign is not then subjected to further curation. The score for this variant resulted in a classification of benign for this disease.

Illumina Laboratory Services, Illumina
Classification: Likely benign for Autosomal recessive ataxia, Beauce type. Last evaluated: 2018-01-13. Review status: criteria provided, single submitter. Criteria: ICSL Variant Classification Criteria 13 December 2019. Collection method: clinical testing. Allele origin: germline.
Comment: This variant was observed in the ICSL laboratory as part of a predisposition screen in an ostensibly healthy population. It had not been previously curated by ICSL or reported in the Human Gene Mutation Database (HGMD: prior to June 1st, 2018), and was therefore a candidate for classification through an automated scoring system. Utilizing variant allele frequency, disease prevalence and penetrance estimates, and inheritance mode, an automated score was calculated to assess if this variant is too frequent to cause the disease. Based on the score and internal cut-off values, a variant classified as likely benign is not then subjected to further curation. The score for this variant resulted in a classification of likely benign for this disease.

PreventionGenetics, part of Exact Sciences
Classification: Likely benign for SYNE1-related condition. Last evaluated: 2019-06-24. Review status: no assertion criteria provided. Collection method: clinical testing. Allele origin: germline. Not counted in ClinVar's aggregate classification.
Comment: This variant is classified as likely benign based on ACMG/AMP sequence variant interpretation guidelines (Richards et al. 2015 PMID: 25741868, with internal and published modifications).

NM_182961.4(SYNE1):c.13101C>T (p.Ile4367=)

Gene: SYNE1 (spectrin repeat containing nuclear envelope protein 1; minus strand). Cytogenetic location: 6q25.2.
Variant type: single nucleotide variant.
Coding change: c.13101C>T on transcript NM_182961.4 (MANE Select); coding-DNA position 13101, C replaced by T.
Protein change: p.Ile4367=; no amino-acid change (isoleucine 4367 retained).
Molecular consequence: synonymous variant.
Genome position (GRCh38, 1-based): chr6:152,331,584, G>A on the plus strand (C>T on the coding strand, the complement: SYNE1 is on the minus strand). VCF-style: chr6-152331584-G-A. GRCh37 (hg19) VCF-style: chr6-152652719-G-A.
Other names: c.12888C>T, p.Ile4296= (NM_033071.5).
Identifiers: ClinVar variation 198675 (VCV000198675.86), dbSNP rs140136749, ClinGen allele CA247470.
Genomic context (GRCh38, chr6:152,331,584, plus strand): 5'-GTGATCCATGAGAAGGTTCTGAGCCATATCTGGAGGAGGGCTCTGCTTAAGGGCCTCGGC[G>A]ATGTTGGGTTGTTGCTCTTCTGCCCACTCCATTAGCTCCTGAAATCTGGACTGCACCACA-3'
Protein context (NP_892006.3, residues 4357-4377): MEWAEEQQPN[Ile4367=]AEALKQSPPP